The following is an entry in ClinVar:

NM_001371986.1(UNC80):c.4540G>A (p.Gly1514Ser)

Gene: UNC80 (unc-80 subunit of NALCN channel complex; plus strand). Cytogenetic location: 2q34.
Variant type: single nucleotide variant.
Coding change: c.4540G>A on transcript NM_001371986.1 (MANE Select); coding-DNA position 4540, G replaced by A.
Protein change: p.Gly1514Ser; replaces glycine 1514 with serine.
Molecular consequence: missense variant.
Genome position (GRCh38, 1-based): chr2:209,896,372, G>A. VCF-style: chr2-209896372-G-A. GRCh37 (hg19) VCF-style: chr2-210761096-G-A.
Other names: c.4342G>A, p.Gly1448Ser (NM_032504.2); c.4327G>A, p.Gly1443Ser (NM_182587.4); c.4342G>A (NM_032504.1); short protein forms G1448S, G1514S, G1443S.
Identifiers: ClinVar variation 1898208 (VCV001898208.5), dbSNP rs943426482, ClinGen allele CA65037913.

ClinVar aggregate classification (germline): Uncertain significance. Review status: criteria provided, multiple submitters, no conflicts (2 of 4 stars). 2 submissions from 2 submitters: Uncertain significance (2). Last evaluated 2025-04-15.

Conditions:
Inborn genetic diseases. Identifiers: MedGen C0950123, MeSH D030342.

Allele frequency attached by ClinVar (database versions not stated): 1000 Genomes Project 30x 0.00016.
gnomAD v4.1: 42 of 1,551,540 alleles (0.0027%); highest among the groups gnomAD compares: African/African-American, 0.041%; no homozygotes.

Submissions (2):

Ambry Genetics
Classification: Uncertain significance for Inborn genetic diseases. Last evaluated: 2025-04-15. Review status: criteria provided, single submitter. Criteria: Ambry Variant Classification Scheme 2023. Collection method: clinical testing. Allele origin: germline.

Labcorp Genetics (formerly Invitae), Labcorp
Classification: Uncertain significance. Last evaluated: 2022-08-22. Review status: criteria provided, single submitter. Criteria: Invitae Variant Classification Sherloc (09022015). Collection method: clinical testing. Allele origin: germline.
Comment: This sequence change replaces glycine, which is neutral and non-polar, with serine, which is neutral and polar, at codon 1448 of the UNC80 protein (p.Gly1448Ser). This variant is present in population databases (no rsID available, gnomAD 0.04%). This variant has not been reported in the literature in individuals affected with UNC80-related conditions. Algorithms developed to predict the effect of missense changes on protein structure and function output the following: SIFT: "Not Available"; PolyPhen-2: "Benign"; Align-GVGD: "Not Available". The serine amino acid residue is found in multiple mammalian species, which suggests that this missense change does not adversely affect protein function. In summary, the available evidence is currently insufficient to determine the role of this variant in disease. Therefore, it has been classified as a Variant of Uncertain Significance.